The following is an entry in ClinVar:

ClinVar aggregate classification (germline): Uncertain significance (1 of 4 stars; one submission).

Allele frequency attached by ClinVar (database versions not stated): gnomAD exomes 0.00002; ExAC 0.00004; ESP Exome Variant Server 0.00008; gnomAD 0.00009 and 0.00010.
gnomAD v4.1: 55 of 1,602,972 alleles (0.0034%); highest among the groups gnomAD compares: African/African-American, 0.02%; no homozygotes.

Submission:

Labcorp Genetics (formerly Invitae), Labcorp
Classification: Uncertain significance. Last evaluated: 2022-09-07. Review status: criteria provided, single submitter. Criteria: Invitae Variant Classification Sherloc (09022015). Collection method: clinical testing. Allele origin: germline.
Comment: This sequence change falls in intron 2 of the ZNF341 gene. It does not directly change the encoded amino acid sequence of the ZNF341 protein. This variant is present in population databases (rs372041153, gnomAD 0.03%). This variant has not been reported in the literature in individuals affected with ZNF341-related conditions. ClinVar contains an entry for this variant (Variation ID: 1515704). Algorithms developed to predict the effect of sequence changes on RNA splicing suggest that this variant may disrupt the consensus splice site. In summary, the available evidence is currently insufficient to determine the role of this variant in disease. Therefore, it has been classified as a Variant of Uncertain Significance.

NM_001282933.2(ZNF341):c.143-14G>A

Gene: ZNF341 (zinc finger protein 341; plus strand). Cytogenetic location: 20q11.22.
Variant type: single nucleotide variant.
Coding change: c.143-14G>A on transcript NM_001282933.2 (MANE Select); 14 bases into the intron before coding-DNA position 143, G replaced by A.
Molecular consequence: intron variant.
Genome position (GRCh38, 1-based): chr20:33,745,089, G>A. VCF-style: chr20-33745089-G-A. GRCh37 (hg19) VCF-style: chr20-32332895-G-A.
Other names: c.143-14G>A (NM_032819.5); c.70-3834G>A (NM_001282935.2).
Identifiers: ClinVar variation 1515704 (VCV001515704.5), dbSNP rs372041153, ClinGen allele CA9819083.